The following is an entry in ClinVar:

ClinVar aggregate classification (germline): Conflicting classifications of pathogenicity. Review status: criteria provided, conflicting classifications (1 of 4 stars). 2 submissions from 2 submitters: Uncertain significance (1); Likely benign (1). Last evaluated 2025-06-03.

Conditions:
Cardiovascular phenotype. Identifiers: MedGen CN230736.

Allele frequency attached by ClinVar (database versions not stated): ExAC 0.00007; gnomAD 0.00013 and 0.00014; gnomAD exomes 0.00002 and 0.00005; 1000 Genomes Project 30x 0.00016; TOPMed 0.00012; 1000 Genomes Project 0.00020.
gnomAD v4.1: 53 of 1,549,352 alleles (0.0034%); highest among the groups gnomAD compares: African/African-American, 0.034%; no homozygotes.

Submissions (2):

Ambry Genetics
Classification: Likely benign for Cardiovascular phenotype. Last evaluated: 2025-06-03. Review status: criteria provided, single submitter. Criteria: Ambry Variant Classification Scheme 2023. Collection method: clinical testing. Allele origin: germline.

GeneDx
Classification: Uncertain significance. Last evaluated: 2024-04-19. Review status: criteria provided, single submitter. Criteria: GeneDx Variant Classification Process June 2021. Collection method: clinical testing. Allele origin: germline. Affected: yes.
Comment: In silico analysis indicates that this missense variant does not alter protein structure/function; Has not been previously published as pathogenic or benign to our knowledge

NM_001367624.2(ZNF469):c.6227G>A (p.Arg2076Gln)

Gene: ZNF469 (zinc finger protein 469; plus strand). Cytogenetic location: 16q24.2.
Variant type: single nucleotide variant.
Coding change: c.6227G>A on transcript NM_001367624.2 (MANE Select); coding-DNA position 6227, G replaced by A.
Protein change: p.Arg2076Gln; replaces arginine 2076 with glutamine.
Molecular consequence: missense variant.
Genome position (GRCh38, 1-based): chr16:88,433,697, G>A. VCF-style: chr16-88433697-G-A. GRCh37 (hg19) VCF-style: chr16-88500105-G-A.
Other names: NM_001127464.1:c.6143G>A; short protein forms R2076Q.
Identifiers: ClinVar variation 1313985 (VCV001313985.6), dbSNP rs554464152, ClinGen allele CA8225132.